The following is an entry in ClinVar:

NM_016222.4(DDX41):c.280C>T (p.Leu94Phe)

Gene: DDX41 (DEAD-box helicase 41; minus strand). Cytogenetic location: 5q35.3.
Variant type: single nucleotide variant.
Coding change: c.280C>T on transcript NM_016222.4 (MANE Select); coding-DNA position 280, C replaced by T.
Protein change: p.Leu94Phe; replaces leucine 94 with phenylalanine.
Molecular consequence: missense variant. On other transcripts: 5 prime UTR variant (2).
Genome position (GRCh38, 1-based): chr5:177,516,306, G>A on the plus strand (C>T on the coding strand, the complement: DDX41 is on the minus strand). VCF-style: chr5-177516306-G-A. GRCh37 (hg19) VCF-style: chr5-176943307-G-A.
Other names: c.-99C>T (NM_001321732.2, NM_001321830.2); short protein forms L94F.
Identifiers: ClinVar variation 3839052 (VCV003839052.1).

ClinVar aggregate classification (germline): Uncertain significance (1 of 4 stars; one submission).

Conditions:
Inborn genetic diseases. Identifiers: MedGen C0950123, MeSH D030342.

Submission:

Ambry Genetics
Classification: Uncertain significance for Inborn genetic diseases. Last evaluated: 2025-02-22. Review status: criteria provided, single submitter. Criteria: Ambry Variant Classification Scheme 2023. Collection method: clinical testing. Allele origin: germline.
Comment: The p.L94F variant (also known as c.280C>T), located in coding exon 3 of the DDX41 gene, results from a C to T substitution at nucleotide position 280. The leucine at codon 94 is replaced by phenylalanine, an amino acid with highly similar properties. This amino acid position is conserved. In addition, this alteration is predicted to be tolerated by in silico analysis. Based on the available evidence, the clinical significance of this variant remains unclear.